The following is an entry in ClinVar:

NM_021930.6(RINT1):c.83A>T (p.Glu28Val)

Gene: RINT1 (RAD50 interactor 1; plus strand). Cytogenetic location: 7q22.3.
Variant type: single nucleotide variant.
Coding change: c.83A>T on transcript NM_021930.6 (MANE Select); coding-DNA position 83, A replaced by T.
Protein change: p.Glu28Val; replaces glutamic acid 28 with valine.
Molecular consequence: missense variant. On other transcripts: 5 prime UTR variant (4), non-coding transcript variant (1).
Genome position (GRCh38, 1-based): chr7:105,532,864, A>T. VCF-style: chr7-105532864-A-T. GRCh37 (hg19) VCF-style: chr7-105173311-A-T.
Other names: c.-15A>T (NM_001346599.2); c.-937A>T (NM_001346600.2); c.-840A>T (NM_001346601.2); c.-460A>T (NM_001346603.2); short protein forms E28V.
Identifiers: ClinVar variation 4841715 (VCV004841715.1).

ClinVar aggregate classification (germline): Uncertain significance (1 of 4 stars; one submission).

Submission:

Ambry Genetics
Classification: Uncertain significance. Last evaluated: 2025-12-20. Review status: criteria provided, single submitter. Criteria: Ambry Variant Classification Scheme 2023. Collection method: clinical testing. Allele origin: germline.
Comment: The p.E28V variant (also known as c.83A>T), located in coding exon 2 of the RINT1 gene, results from an A to T substitution at nucleotide position 83. The glutamic acid at codon 28 is replaced by valine, an amino acid with dissimilar properties. This amino acid position is conserved. In addition, this alteration is predicted to be tolerated by in silico analysis. Based on the available evidence, the clinical significance of this variant remains unclear.